The following is an entry in ClinVar:

ClinVar aggregate classification (germline): Uncertain significance (1 of 4 stars; one submission).

Conditions:
Pyogenic arthritis-pyoderma gangrenosum-acne syndrome (PAPA). Also called: FAMILIAL RECURRENT ARTHRITIS; PAPA SYNDROME. Identifiers: Orphanet 69126, MedGen C1858361, MONDO:0011462, OMIM 604416.

gnomAD v4.1: 3 of 1,612,702 alleles (0.00019%); highest among the groups gnomAD compares: Admixed American, 0.0017%; no homozygotes.

Submission:

Labcorp Genetics (formerly Invitae), Labcorp
Classification: Uncertain significance for Pyogenic arthritis-pyoderma gangrenosum-acne syndrome. Last evaluated: 2025-10-23. Review status: criteria provided, single submitter. Criteria: Invitae Variant Classification Sherloc (09022015). Collection method: clinical testing. Allele origin: germline.
Comment: This sequence change replaces serine, which is neutral and polar, with asparagine, which is neutral and polar, at codon 273 of the PSTPIP1 protein (p.Ser273Asn). This variant is present in population databases (rs749871374, gnomAD 0.003%). This variant has not been reported in the literature in individuals affected with PSTPIP1-related conditions. Invitae Evidence Modeling of protein sequence and biophysical properties (such as structural, functional, and spatial information, amino acid conservation, physicochemical variation, residue mobility, and thermodynamic stability) indicates that this missense variant is not expected to disrupt PSTPIP1 protein function with a negative predictive value of 80%. In summary, the available evidence is currently insufficient to determine the role of this variant in disease. Therefore, it has been classified as a Variant of Uncertain Significance.

NM_003978.5(PSTPIP1):c.818G>A (p.Ser273Asn)

Gene: PSTPIP1 (proline-serine-threonine phosphatase interacting protein 1; plus strand). Cytogenetic location: 15q24.3.
Variant type: single nucleotide variant.
Coding change: c.818G>A on transcript NM_003978.5 (MANE Select); coding-DNA position 818, G replaced by A.
Protein change: p.Ser273Asn; replaces serine 273 with asparagine.
Molecular consequence: missense variant.
Genome position (GRCh38, 1-based): chr15:77,032,374, G>A. VCF-style: chr15-77032374-G-A. GRCh37 (hg19) VCF-style: chr15-77324715-G-A.
Other names: c.818G>A, p.Ser273Asn (NM_001321135.2, NM_001411086.1); c.791G>A, p.Ser264Asn (NM_001321136.2); c.1013G>A, p.Ser338Asn (NM_001321137.1); short protein forms S338N, S264N, S273N.
Identifiers: ClinVar variation 4697217 (VCV004697217.1).